The following is an entry in ClinVar:

NM_000038.6(APC):c.3599G>T (p.Ser1200Ile)

Gene: APC (APC regulator of Wnt signaling pathway; plus strand). Cytogenetic location: 5q22.2.
Variant type: single nucleotide variant.
Coding change: c.3599G>T on transcript NM_000038.6 (MANE Select); coding-DNA position 3599, G replaced by T.
Protein change: p.Ser1200Ile; replaces serine 1200 with isoleucine.
Molecular consequence: missense variant. On other transcripts: non-coding transcript variant (2).
Genome position (GRCh38, 1-based): chr5:112,839,193, G>T. VCF-style: chr5-112839193-G-T. GRCh37 (hg19) VCF-style: chr5-112174890-G-T.
Other names: c.2750G>T, p.Ser917Ile (NM_001354906.2, NM_001407470.1); c.3683G>T, p.Ser1228Ile (NM_001407446.1); c.3653G>T, p.Ser1218Ile (NM_001407447.1, NM_001407448.1, NM_001407449.1 and 1 more transcripts); c.3599G>T, p.Ser1200Ile (NM_001407450.1, NM_001127510.3, NM_001354895.2); c.3578G>T, p.Ser1193Ile (NM_001407451.1); c.3569G>T, p.Ser1190Ile (NM_001407452.1); c.3422G>T, p.Ser1141Ile (NM_001407453.1, NM_001354901.2); c.3350G>T, p.Ser1117Ile (NM_001407454.1, NM_001407455.1, NM_001407456.1 and 1 more transcripts); and 11 more; short protein forms S1040I, S1210I, S1099I, S1172I, S917I, S1071I, S1117I, S1159I.
Identifiers: ClinVar variation 2561164 (VCV002561164.2), dbSNP rs1423401618, ClinGen allele CA16029241.
Genomic context (GRCh38, chr5:112,839,193, plus strand): 5'-GTTTAAAATATGCCACAGATATTCCTTCATCACAGAAACAGTCATTTTCATTCTCAAAGA[G>T]TTCATCTGGACAAAGCAGTAAAACCGAACATATGTCTTCAAGCAGTGAGAATACGTCCAC-3'
Protein context (NP_000029.2, residues 1190-1210): SQKQSFSFSK[Ser1200Ile]SSGQSSKTEH

ClinVar aggregate classification (germline): Uncertain significance (1 of 4 stars; one submission).

Conditions:
Hereditary cancer-predisposing syndrome. Also called: Neoplastic Syndromes, Hereditary; Hereditary Cancer Syndrome; Hereditary neoplastic syndrome; Tumor predisposition. Identifiers: Orphanet 140162, MedGen C0027672, MeSH D009386, MONDO:0015356.

Submission:

Ambry Genetics
Classification: Uncertain significance for Hereditary cancer-predisposing syndrome. Last evaluated: 2023-05-01. Review status: criteria provided, single submitter. Criteria: Ambry Variant Classification Scheme 2023. Collection method: clinical testing. Allele origin: germline.
Comment: The p.S1200I variant (also known as c.3599G>T), located in coding exon 15 of the APC gene, results from a G to T substitution at nucleotide position 3599. The serine at codon 1200 is replaced by isoleucine, an amino acid with dissimilar properties. This amino acid position is not well conserved in available vertebrate species. In addition, in silico predictors for this gene do not accurately predict pathogenicity. Since supporting evidence is limited at this time, the clinical significance of this alteration remains unclear.